The following is an entry in ClinVar:

NM_003791.4(MBTPS1):c.733G>A (p.Asp245Asn)

Gene: MBTPS1 (membrane bound transcription factor peptidase, site 1; minus strand). Cytogenetic location: 16q23.3.
Variant type: single nucleotide variant.
Coding change: c.733G>A on transcript NM_003791.4 (MANE Select); coding-DNA position 733, G replaced by A.
Protein change: p.Asp245Asn; replaces aspartic acid 245 with asparagine.
Molecular consequence: missense variant.
Genome position (GRCh38, 1-based): chr16:84,093,714, C>T on the plus strand (G>A on the coding strand, the complement: MBTPS1 is on the minus strand). VCF-style: chr16-84093714-C-T. GRCh37 (hg19) VCF-style: chr16-84127319-C-T.
Other names: short protein forms D245N.
Identifiers: ClinVar variation 4527343 (VCV004527343.1).

ClinVar aggregate classification (germline): Uncertain significance (1 of 4 stars; one submission).

gnomAD v4.1: 2 of 1,609,486 alleles (0.00012%); highest among the groups gnomAD compares: Non-Finnish European, 0.00017%; no homozygotes.

Submission:

GeneDx
Classification: Uncertain significance. Last evaluated: 2025-04-23. Review status: criteria provided, single submitter. Criteria: GeneDx Variant Classification Process June 2021. Collection method: clinical testing. Allele origin: germline. Affected: yes.
Comment: Not observed at significant frequency in large population cohorts (gnomAD); In silico analysis supports that this missense variant has a deleterious effect on protein structure/function; Has not been previously published as pathogenic or benign to our knowledge